The following is an entry in ClinVar:

ClinVar aggregate classification (germline): Uncertain significance (1 of 4 stars; one submission).

Submission:

Labcorp Genetics (formerly Invitae), Labcorp
Classification: Uncertain significance. Last evaluated: 2022-12-25. Review status: criteria provided, single submitter. Criteria: Invitae Variant Classification Sherloc (09022015). Collection method: clinical testing. Allele origin: germline.
Comment: This sequence change replaces alanine, which is neutral and non-polar, with threonine, which is neutral and polar, at codon 719 of the REST protein (p.Ala719Thr). This variant is not present in population databases (gnomAD no frequency). This variant has not been reported in the literature in individuals affected with REST-related conditions. Algorithms developed to predict the effect of missense changes on protein structure and function (SIFT, PolyPhen-2, Align-GVGD) all suggest that this variant is likely to be tolerated. In summary, the available evidence is currently insufficient to determine the role of this variant in disease. Therefore, it has been classified as a Variant of Uncertain Significance.

NM_005612.5(REST):c.2155G>A (p.Ala719Thr)

Gene: REST (RE1 silencing transcription factor; plus strand). Cytogenetic location: 4q12.
Variant type: single nucleotide variant.
Coding change: c.2155G>A on transcript NM_005612.5 (MANE Select); coding-DNA position 2155, G replaced by A.
Protein change: p.Ala719Thr; replaces alanine 719 with threonine.
Molecular consequence: missense variant.
Genome position (GRCh38, 1-based): chr4:56,931,013, G>A. VCF-style: chr4-56931013-G-A. GRCh37 (hg19) VCF-style: chr4-57797179-G-A.
Other names: c.2155G>A, p.Ala719Thr (NM_001193508.2, NM_001363453.3); short protein forms A719T.
Identifiers: ClinVar variation 3009093 (VCV003009093.3), dbSNP rs543390185, ClinGen allele CA357008194.
Genomic context (GRCh38, chr4:56,931,013, plus strand): 5'-GCCCAAATGGGGCCTGCTCCCATGGAACCTGCTCAGATGGAGGTTGCCCAGGTAGAATCT[G>A]CTCCCATGCAGGTGGTCCAGAAGGAGCCTGTTCAGATGGAGCTGTCTCCTCCCATGGAGG-3'
Protein context (NP_005603.3, residues 709-729): AQMEVAQVES[Ala719Thr]PMQVVQKEPV